The following is an entry in ClinVar:

NM_006348.5(COG5):c.1078C>G (p.Leu360Val)

Gene: COG5 (component of oligomeric golgi complex 5; minus strand). Cytogenetic location: 7q22.3.
Variant type: single nucleotide variant.
Coding change: c.1078C>G on transcript NM_006348.5 (MANE Select); coding-DNA position 1078, C replaced by G.
Protein change: p.Leu360Val; replaces leucine 360 with valine.
Molecular consequence: missense variant. On other transcripts: intron variant (1).
Genome position (GRCh38, 1-based): chr7:107,324,470, G>C on the plus strand (C>G on the coding strand, the complement: COG5 is on the minus strand). VCF-style: chr7-107324470-G-C. GRCh37 (hg19) VCF-style: chr7-106964915-G-C.
Other names: c.1078C>G, p.Leu360Val (NM_001161520.2, NM_001379511.1, NM_001379512.1 and 3 more transcripts); c.364C>G, p.Leu122Val (NM_001379516.1); c.539-26124C>G (NM_001379515.1); short protein forms L391V, L360V, L122V.
Identifiers: ClinVar variation 452719 (VCV000452719.10), dbSNP rs762031095, ClinGen allele CA4431014.

ClinVar aggregate classification (germline): Uncertain significance. Review status: criteria provided, multiple submitters, no conflicts (2 of 4 stars). 3 submissions from 3 submitters: Uncertain significance (3). Last evaluated 2022-10-17.

Conditions:
COG5-congenital disorder of glycosylation. Also called: COG5-CDG; CONGENITAL DISORDER OF GLYCOSYLATION, TYPE IIi; CDG IIi. Identifiers: Orphanet 263487, MedGen C3150876, MONDO:0013325, OMIM 613612.

Allele frequency attached by ClinVar (database versions not stated): ExAC 0.00001; TOPMed 0.00001.
gnomAD v4.1: 9 of 1,605,464 alleles (0.00056%); highest among the groups gnomAD compares: Middle Eastern, 0.017%; no homozygotes.

Submissions (3):

Labcorp Genetics (formerly Invitae), Labcorp
Classification: Uncertain significance for COG5-congenital disorder of glycosylation. Last evaluated: 2022-10-17. Review status: criteria provided, single submitter. Criteria: Invitae Variant Classification Sherloc (09022015). Collection method: clinical testing. Allele origin: germline.
Comment: This sequence change replaces leucine, which is neutral and non-polar, with valine, which is neutral and non-polar, at codon 391 of the COG5 protein (p.Leu391Val). This variant is present in population databases (rs762031095, gnomAD 0.003%). This variant has not been reported in the literature in individuals affected with COG5-related conditions. ClinVar contains an entry for this variant (Variation ID: 452719). Algorithms developed to predict the effect of missense changes on protein structure and function are either unavailable or do not agree on the potential impact of this missense change (SIFT: "Deleterious"; PolyPhen-2: "Possibly Damaging"; Align-GVGD: "Class C15"). In summary, the available evidence is currently insufficient to determine the role of this variant in disease. Therefore, it has been classified as a Variant of Uncertain Significance.

GeneDx
Classification: Uncertain significance. Last evaluated: 2021-03-26. Review status: criteria provided, single submitter. Criteria: GeneDx Variant Classification Process June 2021. Collection method: clinical testing. Allele origin: germline. Affected: yes.
Comment: Not observed at a significant frequency in large population cohorts (Lek et al., 2016); In silico analysis supports that this missense variant does not alter protein structure/function; Has not been previously published as pathogenic or benign to our knowledge; This variant is associated with the following publications: (PMID: 25741868)

Fulgent Genetics
Classification: Uncertain significance for COG5-congenital disorder of glycosylation. Last evaluated: 2018-10-31. Review status: criteria provided, single submitter. Criteria: ACMG Guidelines, 2015. Collection method: clinical testing. Allele origin: unknown.